The following is an entry in ClinVar:

NM_015340.4(LARS2):c.2358A>G (p.Val786=)

Gene: LARS2 (leucyl-tRNA synthetase 2, mitochondrial; plus strand). Cytogenetic location: 3p21.31.
Variant type: single nucleotide variant.
Coding change: c.2358A>G on transcript NM_015340.4 (MANE Select); coding-DNA position 2358, A replaced by G.
Protein change: p.Val786=; no amino-acid change (valine 786 retained).
Molecular consequence: synonymous variant.
Genome position (GRCh38, 1-based): chr3:45,524,062, A>G. VCF-style: chr3-45524062-A-G. GRCh37 (hg19) VCF-style: chr3-45565554-A-G.
Other names: c.2358A>G, p.Val786= (NM_001368263.1).
Identifiers: ClinVar variation 226704 (VCV000226704.18), dbSNP rs267220, ClinGen allele CA2349868.

ClinVar aggregate classification (germline): Benign. Review status: criteria provided, multiple submitters, no conflicts (2 of 4 stars). 8 submissions from 7 submitters: Benign (7). 1 of the submissions does not count toward it. Last evaluated 2026-02-04.

Conditions:
Hydrops-lactic acidosis-sideroblastic anemia-multisystemic failure syndrome. Also called: Hydrops, lactic acidosis, and sideroblastic anemia. Identifiers: Orphanet 528091, MedGen C4310761, MONDO:0014869, OMIM 617021.
Perrault syndrome 4 (PRLTS4). Identifiers: Orphanet 2855, MedGen C3809105, MONDO:0014126, OMIM 615300.

Allele frequency attached by ClinVar (database versions not stated): 1000 Genomes Project 30x 0.85306; 1000 Genomes Project 0.86082; TOPMed 0.86515; gnomAD 0.87505 and 0.88215; gnomAD exomes 0.98582 and 0.96464; ExAC 0.95754; ESP Exome Variant Server 0.86868.
gnomAD v4.1: 1,574,366 of 1,613,866 alleles (98%); highest among the groups gnomAD compares: East Asian, 100%; 773,893 homozygotes.

Submissions (8):

Labcorp Genetics (formerly Invitae), Labcorp
Classification: Benign. Last evaluated: 2026-02-04. Review status: criteria provided, single submitter. Criteria: Invitae Variant Classification Sherloc (09022015). Collection method: clinical testing. Allele origin: germline.

Genome-Nilou Lab
Classification: Benign for Hydrops-lactic acidosis-sideroblastic anemia-multisystemic failure syndrome. Last evaluated: 2021-08-19. Review status: criteria provided, single submitter. Criteria: ACMG Guidelines, 2015. Collection method: clinical testing. Allele origin: germline. Affected: no.

Genome-Nilou Lab
Classification: Benign for Perrault syndrome 4. Last evaluated: 2021-08-19. Review status: criteria provided, single submitter. Criteria: ACMG Guidelines, 2015. Collection method: clinical testing. Allele origin: germline. Affected: no.

GeneDx
Classification: Benign. Last evaluated: 2015-12-02. Review status: criteria provided, single submitter. Criteria: GeneDx Variant Classification (06012015). Collection method: clinical testing. Allele origin: germline. Affected: yes.
Comment: This variant is considered likely benign or benign based on one or more of the following criteria: it is a conservative change, it occurs at a poorly conserved position in the protein, it is predicted to be benign by multiple in silico algorithms, and/or has population frequency not consistent with disease.

Laboratory for Molecular Medicine, Mass General Brigham Personalized Medicine
Classification: Benign. Last evaluated: 2014-11-24. Review status: criteria provided, single submitter. Criteria: LMM Criteria. Collection method: clinical testing. Allele origin: germline. Observed: 1,017 variant alleles.
Comment: Val786Val in exon 20 of LARS2: This variant is not expected to have clinical sig nificance because it does not alter an amino acid residue and is not located wit hin the splice consensus sequence. It has been identified in 38.2% (1681/4406) o f African American chromosomes from a broad population by the NHLBI Exome Sequen cing Project (dbSNP rs267220).

Breakthrough Genomics
Classification: Benign. Review status: criteria provided, single submitter. Criteria: ACMG Guidelines, 2015. Collection method: not provided. Allele origin: germline. Inheritance: Autosomal recessive inheritance. Affected: yes.

PreventionGenetics, part of Exact Sciences
Classification: Benign. Review status: criteria provided, single submitter. Criteria: ACMG Guidelines, 2015. Collection method: clinical testing. Allele origin: germline.

Mayo Clinic Laboratories, Mayo Clinic
Classification: Benign. Last evaluated: 2016-02-16. Review status: no assertion criteria provided. Collection method: clinical testing. Allele origin: unknown. Not counted in ClinVar's aggregate classification.